The following is an entry in ClinVar:

ClinVar aggregate classification (germline): Benign (0 of 4 stars; one submission).

Conditions:
DNAH2-related disorder. Also called: DNAH2-related condition.

Allele frequency attached by ClinVar (database versions not stated): ESP Exome Variant Server 0.00692; TOPMed 0.01080; gnomAD 0.01437; gnomAD exomes 0.01599; ExAC 0.02680; 1000 Genomes Project 30x 0.03186; 1000 Genomes Project 0.03574.
gnomAD v4.1: 25,964 of 1,613,722 alleles (1.6%); highest among the groups gnomAD compares: South Asian, 8.4%; 630 homozygotes.

Submission:

PreventionGenetics, part of Exact Sciences
Classification: Benign for DNAH2-related condition. Last evaluated: 2019-12-18. Review status: no assertion criteria provided. Collection method: clinical testing. Allele origin: germline.
Comment: This variant is classified as benign based on ACMG/AMP sequence variant interpretation guidelines (Richards et al. 2015 PMID: 25741868, with internal and published modifications).

NM_020877.5(DNAH2):c.741C>T (p.Thr247=)

Gene: DNAH2 (dynein axonemal heavy chain 2; plus strand). Cytogenetic location: 17p13.1.
Variant type: single nucleotide variant.
Coding change: c.741C>T on transcript NM_020877.5 (MANE Select); coding-DNA position 741, C replaced by T.
Protein change: p.Thr247=; no amino-acid change (threonine 247 retained).
Molecular consequence: synonymous variant.
Genome position (GRCh38, 1-based): chr17:7,734,471, C>T. VCF-style: chr17-7734471-C-T. GRCh37 (hg19) VCF-style: chr17-7637789-C-T.
Other names: c.741C>T, p.Thr247= (NM_001303270.2).
Identifiers: ClinVar variation 3055611 (VCV003055611.2), dbSNP rs3744255, ClinGen allele CA8355947.